The following is an entry in ClinVar:

NM_001367624.2(ZNF469):c.5613_5622del (p.Arg1871fs)

Gene: ZNF469 (zinc finger protein 469; plus strand). Cytogenetic location: 16q24.2.
Variant type: Deletion.
Coding change: c.5613_5622del on transcript NM_001367624.2 (MANE Select); coding-DNA positions 5613 to 5622, 10 bases deleted (GGAGGCTTGG; older notation c.5613_5622delGGAGGCTTGG).
Protein change: p.Arg1871fs; shifts the reading frame from arginine 1871.
Molecular consequence: frameshift variant.
Genome position (GRCh38, 1-based): chr16:88,433,083-88,433,092, GGAGGCTTGG deleted; deleting any 10 consecutive bases within chr16:88,433,082-88,433,092 gives the same sequence; the c. name uses the placement nearest the transcript's 3' end. VCF-style (leftmost placement, unchanged base first): chr16-88433081-AGGGAGGCTTG-A. GRCh37 (hg19) VCF-style: chr16-88499489-AGGGAGGCTTG-A.
Other names: c.5613_5622del10 (NM_001367624.2); short protein forms R1871fs.
Identifiers: ClinVar variation 2503971 (VCV002503971.1), dbSNP rs2507591028, ClinGen allele CA2576089644.

ClinVar aggregate classification (germline): Likely pathogenic (1 of 4 stars; one submission).

Conditions:
Brittle cornea syndrome 1 (BCS1). Also called: FRAGILITAS OCULI WITH JOINT HYPEREXTENSIBILITY; CORNEAL FRAGILITY, KERATOGLOBUS, BLUE SCLERAE, JOINT HYPEREXTENSIBILITY; EDS6B; Corneal fragility keratoglobus, blue sclerae AND joint hypermobility; DYSGENESIS MESODERMALIS CORNEAE ET SCLERAE. Identifiers: Orphanet 90354, MedGen C0268344, MONDO:0024543, OMIM 229200.

Submission:

Women's Health and Genetics/Laboratory Corporation of America, LabCorp
Classification: Likely pathogenic for Brittle cornea syndrome 1. Last evaluated: 2023-04-04. Review status: criteria provided, single submitter. Criteria: LabCorp Variant Classification Summary - May 2015. Collection method: clinical testing. Allele origin: germline.
Comment: Variant summary: ZNF469 c.5613_5622del10 (p.Arg1871SerfsX25) results in a premature termination codon and is predicted to cause a truncation of the encoded protein. Although the variant is not predicted to cause absence of the protein through nonsense mediated decay, the variant disrupts the last ~2000 amino acids in the protein sequence, which is greater than half of the total protein. Truncations downstream of this position have been classified as pathogenic within ClinVar (e.g. c.7554del [p.Ser2519Alafs], c.8350C>T [p.Arg2784Ter]). The variant was absent in 151752 control chromosomes (gnomAD). To our knowledge, no occurrence of c.5613_5622del10 in individuals affected with Brittle Cornea Syndrome 1 and no experimental evidence demonstrating its impact on protein function have been reported. No clinical diagnostic laboratories have submitted clinical-significance assessments for this variant to ClinVar after 2014. Based on the evidence outlined above, the variant was classified as likely pathogenic.